The following is an entry in ClinVar:

NM_001008537.3(NEXMIF):c.4248dup (p.Gly1417fs)

Gene: NEXMIF (neurite extension and migration factor; minus strand). Cytogenetic location: Xq13.3.
Variant type: Duplication.
Coding change: c.4248dup on transcript NM_001008537.3 (MANE Select); coding-DNA position 4248, one base duplicated (T; older notation c.4248dupT).
Protein change: p.Gly1417fs; shifts the reading frame from glycine 1417.
Molecular consequence: frameshift variant.
Genome position (GRCh38, 1-based): chrX:74,740,309, A duplicated on the plus strand (T on the coding strand, the reverse complement: NEXMIF is on the minus strand). VCF-style (leftmost placement, unchanged base first): chrX-74740308-C-CA. GRCh37 (hg19) VCF-style: chrX-73960143-C-CA.
Other names: short protein forms G1417fs.
Identifiers: ClinVar variation 374403 (VCV000374403.2), dbSNP rs1057518728, ClinGen allele CA16043716.

ClinVar aggregate classification (germline): Pathogenic (0 of 4 stars; one submission).

Conditions:
X-linked intellectual disability, Cantagrel type (XLID98). Also called: INTELLECTUAL DEVELOPMENTAL DISORDER, X-LINKED 98. Identifiers: Orphanet 85277, MedGen C3806730, MONDO:0010483, OMIM 300912.

Submission:

Baylor Genetics
Classification: Pathogenic for X-linked intellectual disability, Cantagrel type. Last evaluated: 2014-04-18. Review status: no assertion criteria provided. Collection method: clinical testing. Allele origin: maternal. Inheritance: X-linked inheritance. Affected: yes. Observed: 1 variant allele, 1 hemizygote.
Comment: The KIAA2022 variant is categorized as deleterious according to ACMGG guidelines [PMID: 18414213].